The following is an entry in ClinVar:

ClinVar aggregate classification (germline): Uncertain significance (1 of 4 stars; one submission).

Conditions:
Familial cold autoinflammatory syndrome 2 (FCAS2). Identifiers: Orphanet 247868, MedGen C2673198, MONDO:0012724, OMIM 611762.

gnomAD v4.1: 5 of 1,613,664 alleles (0.00031%); highest among the groups gnomAD compares: Non-Finnish European, 0.00042%; no homozygotes.

Submission:

Labcorp Genetics (formerly Invitae), Labcorp
Classification: Uncertain significance for Familial cold autoinflammatory syndrome 2. Last evaluated: 2022-02-06. Review status: criteria provided, single submitter. Criteria: Invitae Variant Classification Sherloc (09022015). Collection method: clinical testing. Allele origin: germline.
Comment: In summary, the available evidence is currently insufficient to determine the role of this variant in disease. Therefore, it has been classified as a Variant of Uncertain Significance. Algorithms developed to predict the effect of missense changes on protein structure and function (SIFT, PolyPhen-2, Align-GVGD) all suggest that this variant is likely to be tolerated. This variant has not been reported in the literature in individuals affected with NLRP12-related conditions. This variant is not present in population databases (gnomAD no frequency). This sequence change replaces alanine, which is neutral and non-polar, with aspartic acid, which is acidic and polar, at codon 449 of the NLRP12 protein (p.Ala449Asp).

NM_144687.4(NLRP12):c.1346C>A (p.Ala449Asp)

Gene: NLRP12 (NLR family pyrin domain containing 12; minus strand). Cytogenetic location: 19q13.42.
Variant type: single nucleotide variant.
Coding change: c.1346C>A on transcript NM_144687.4 (MANE Select); coding-DNA position 1346, C replaced by A.
Protein change: p.Ala449Asp; replaces alanine 449 with aspartic acid.
Molecular consequence: missense variant.
Genome position (GRCh38, 1-based): chr19:53,810,313, G>T on the plus strand (C>A on the coding strand, the complement: NLRP12 is on the minus strand). VCF-style: chr19-53810313-G-T. GRCh37 (hg19) VCF-style: chr19-54313567-G-T.
Other names: c.1346C>A, p.Ala449Asp (NM_001277126.2, NM_001277129.1); short protein forms A449D.
Identifiers: ClinVar variation 2040647 (VCV002040647.4), dbSNP rs1016647701, ClinGen allele CA310069021.